The following is an entry in ClinVar:

ClinVar aggregate classification (germline): Conflicting classifications of pathogenicity. Review status: criteria provided, conflicting classifications (1 of 4 stars). 4 submissions from 4 submitters: Uncertain significance (2); Benign (1). 1 of the submissions does not count toward it. Last evaluated 2025-06-10.

Conditions:
KMT2D-related disorder. Also called: KMT2D-Related Disorders.
Choanal atresia-athelia-hypothyroidism-delayed puberty-short stature syndrome (BCAHH). Also called: BRANCHIAL ARCH ABNORMALITIES, CHOANAL ATRESIA, ATHELIA, HEARING LOSS, AND HYPOTHYROIDISM SYNDROME. Identifiers: Orphanet 589856, MedGen C5680310, MONDO:0035651, OMIM 620186.
Kabuki syndrome 1 (KABUK1). Also called: KMT2D-Related Kabuki Syndrome. Identifiers: Orphanet 2322, MedGen CN030661, MONDO:0007843, OMIM 147920.
Kabuki syndrome. Also called: NIIKAWA-KUROKI SYNDROME; Kabuki make-up syndrome. Identifiers: Orphanet 2322, MedGen C0796004, MONDO:0016512.

Allele frequency attached by ClinVar (database versions not stated): ExAC 0.00004; gnomAD 0.00005; TOPMed 0.00007; gnomAD exomes 0.00008.
gnomAD v4.1: 115 of 1,591,218 alleles (0.0072%); highest among the groups gnomAD compares: African/African-American, 0.0094%; no homozygotes.

Submissions (4):

Labcorp Genetics (formerly Invitae), Labcorp
Classification: Benign for Kabuki syndrome. Last evaluated: 2025-06-10. Review status: criteria provided, single submitter. Criteria: Invitae Variant Classification Sherloc (09022015). Collection method: clinical testing. Allele origin: germline.

Eurofins Ntd Llc (ga)
Classification: Uncertain significance. Last evaluated: 2014-12-08. Review status: criteria provided, single submitter. Criteria: EGL Classification Definitions 2015. Collection method: clinical testing. Allele origin: germline. Observed: 2 variant alleles, 2 heterozygotes.

Center for Genomics, Ann and Robert H. Lurie Children's Hospital of Chicago
Classification: Uncertain significance for Choanal atresia-athelia-hypothyroidism-delayed puberty-short stature syndrome; Kabuki syndrome 1. Review status: criteria provided, single submitter. Criteria: ACMG Guidelines, 2015. Collection method: clinical testing. Allele origin: germline.
Comment: This variant has not been reported in the literature but is present in the Genome Aggregation Database (Highest reported MAF 0.007% (3/41452). This variant is present in ClinVar (Variation ID:193866). Evolutionary conservation and computational predictive tools suggest that this variant may impact the protein. In summary, data on this variant is insufficient for disease classification. Therefore, the clinical significance of this variant is uncertain.

PreventionGenetics, part of Exact Sciences
Classification: Uncertain significance for KMT2D-related condition. Last evaluated: 2024-04-25. Review status: no assertion criteria provided. Collection method: clinical testing. Allele origin: germline. Not counted in ClinVar's aggregate classification.
Comment: The KMT2D c.3889C>T variant is predicted to result in the amino acid substitution p.Arg1297Cys. To our knowledge, this variant has not been reported in the literature. This variant is reported in 0.029% of alleles in individuals of European (Finnish) descent in gnomAD. Although we suspect that this variant may be benign, at this time, the clinical significance of this variant is uncertain due to the absence of conclusive functional and genetic evidence.

NM_003482.4(KMT2D):c.3889C>T (p.Arg1297Cys)

Genes: KMT2D (lysine methyltransferase 2D; minus strand), LOC126861520 (CDK7 strongly-dependent group 2 enhancer GRCh37_chr12:49442744-49443943; plus strand). Cytogenetic location: 12q13.12.
Variant type: single nucleotide variant.
Coding change: c.3889C>T on transcript NM_003482.4 (MANE Select); coding-DNA position 3889, C replaced by T.
Protein change: p.Arg1297Cys; replaces arginine 1297 with cysteine.
Molecular consequence: missense variant.
Genome position (GRCh38, 1-based): chr12:49,049,699, G>A on the plus strand (C>T on the coding strand, the complement: KMT2D is on the minus strand). VCF-style: chr12-49049699-G-A. GRCh37 (hg19) VCF-style: chr12-49443482-G-A.
Other names: c.3889C>T (NM_003482.3); short protein forms R1297C.
Identifiers: ClinVar variation 193866 (VCV000193866.17), dbSNP rs746084513, ClinGen allele CA239552.